The following is an entry in ClinVar:

ClinVar aggregate classification (germline): Pathogenic (1 of 4 stars; one submission).

Submission:

Labcorp Genetics (formerly Invitae), Labcorp
Classification: Pathogenic. Last evaluated: 2024-09-10. Review status: criteria provided, single submitter. Criteria: Invitae Variant Classification Sherloc (09022015). Collection method: clinical testing. Allele origin: germline.
Comment: This sequence change creates a premature translational stop signal (p.Gln274Argfs*17) in the C6 gene. It is expected to result in an absent or disrupted protein product. Loss-of-function variants in C6 are known to be pathogenic (PMID: 17257682). This variant is not present in population databases (gnomAD no frequency). This variant has not been reported in the literature in individuals affected with C6-related conditions. For these reasons, this variant has been classified as Pathogenic.

Literature cited by the submitters: PubMed 17257682.

NM_000065.5(C6):c.821_822del (p.Gln274fs)

Gene: C6 (complement C6; minus strand). Cytogenetic location: 5p13.1.
Variant type: Deletion.
Coding change: c.821_822del on transcript NM_000065.5 (MANE Select); coding-DNA positions 821 to 822, 2 bases deleted (AG; older notation c.821_822delAG).
Protein change: p.Gln274fs; shifts the reading frame from glutamine 274.
Molecular consequence: frameshift variant.
Genome position (GRCh38, 1-based): chr5:41,181,464-41,181,465, CT deleted on the plus strand (AG on the coding strand, the reverse complement: C6 is on the minus strand). VCF-style (leftmost placement, unchanged base first): chr5-41181463-CCT-C. GRCh37 (hg19) VCF-style: chr5-41181565-CCT-C.
Other names: c.821_822del, p.Gln274fs (NM_001115131.4); short protein forms Q274fs.
Identifiers: ClinVar variation 3730186 (VCV003730186.2).